The following is an entry in ClinVar:

NM_013382.7(POMT2):c.1630dup (p.Glu544fs)

Gene: POMT2 (protein O-mannosyltransferase 2; minus strand). Cytogenetic location: 14q24.3.
Variant type: Duplication.
Coding change: c.1630dup on transcript NM_013382.7 (MANE Select); coding-DNA position 1630, one base duplicated (G; older notation c.1630dupG).
Protein change: p.Glu544fs; shifts the reading frame from glutamic acid 544.
Molecular consequence: frameshift variant.
Genome position (GRCh38, 1-based): chr14:77,283,820, C duplicated on the plus strand (G on the coding strand, the reverse complement: POMT2 is on the minus strand); the first of 2 consecutive C bases (chr14:77,283,820-77,283,821); duplicating either gives the same sequence. VCF-style (leftmost placement, unchanged base first): chr14-77283819-T-TC. GRCh37 (hg19) VCF-style: chr14-77750162-T-TC.
Other names: short protein forms E544fs.
Identifiers: ClinVar variation 4786106 (VCV004786106.1).

ClinVar aggregate classification (germline): Pathogenic (1 of 4 stars; one submission).

Conditions:
Muscular dystrophy-dystroglycanopathy (congenital with impaired intellectual development), type B, 2. Also called: MUSCULAR DYSTROPHY, CONGENITAL, POMT2-RELATED; Muscular dystrophy-dystroglycanopathy (congenital with intellectual disability), type B2. Identifiers: MedGen C3150416, MONDO:0013160, OMIM 613156.
Autosomal recessive limb-girdle muscular dystrophy type 2N. Also called: MUSCULAR DYSTROPHY-DYSTROGLYCANOPATHY, LIMB-GIRDLE, POMT2-RELATED; Muscular dystrophy-dystroglycanopathy (limb-girdle), type C, 2. Identifiers: Orphanet 206559, MedGen C3150418, MONDO:0013162, OMIM 613158.
Muscular dystrophy-dystroglycanopathy (congenital with brain and eye anomalies), type A2. Also called: MUSCULAR DYSTROPHY-DYSTROGLYCANOPATHY (CONGENITAL WITH BRAIN AND EYE ANOMALIES), TYPE A, 2; WALKER-WARBURG SYNDROME OR MUSCLE-EYE-BRAIN DISEASE, POMT2-RELATED. Identifiers: Orphanet 588, Orphanet 899, MedGen C3150411, MONDO:0013154, OMIM 613150.

Submission:

Labcorp Genetics (formerly Invitae), Labcorp
Classification: Pathogenic for Muscular dystrophy-dystroglycanopathy (congenital with impaired intellectual development), type B, 2; Muscular dystrophy-dystroglycanopathy (congenital with brain and eye anomalies), type A2; Autosomal recessive limb-girdle muscular dystrophy type 2N. Last evaluated: 2025-09-10. Review status: criteria provided, single submitter. Criteria: Invitae Variant Classification Sherloc (09022015). Collection method: clinical testing. Allele origin: germline.
Comment: This sequence change creates a premature translational stop signal (p.Glu544Glyfs*19) in the POMT2 gene. It is expected to result in an absent or disrupted protein product. Loss-of-function variants in POMT2 are known to be pathogenic (PMID: 15894594). This variant is not present in population databases (gnomAD no frequency). This variant has not been reported in the literature in individuals affected with POMT2-related conditions. For these reasons, this variant has been classified as Pathogenic.

Literature cited by the submitters: PubMed 15894594.